The following is an entry in ClinVar:

ClinVar aggregate classification (germline): Likely benign (1 of 4 stars; one submission).

Allele frequency attached by ClinVar (database versions not stated): TOPMed 0.00024; 1000 Genomes Project 0.00100; 1000 Genomes Project 30x 0.00109; gnomAD 0.00021.
gnomAD v4.1: 34 of 152,218 alleles (0.022%); highest among the groups gnomAD compares: South Asian, 0.15%; no homozygotes.

Submission:

CeGaT Center for Human Genetics Tuebingen
Classification: Likely benign. Last evaluated: 2026-03-01. Review status: criteria provided, single submitter. Criteria: CeGaT Center For Human Genetics Tuebingen Variant Classification Criteria Version 2. Collection method: clinical testing. Allele origin: germline. Affected: yes. Observed: 5 variant alleles.
Comment: BRAF: BS1

NM_004333.6(BRAF):c.1141-2272C>T

Gene: BRAF (B-Raf proto-oncogene, serine/threonine kinase; minus strand). Cytogenetic location: 7q34.
Variant type: single nucleotide variant.
Coding change: c.1141-2272C>T on transcript NM_004333.6 (MANE Select); 2272 bases into the intron before coding-DNA position 1141, C replaced by T.
Molecular consequence: intron variant.
Genome position (GRCh38, 1-based): chr7:140,789,856, G>A on the plus strand (C>T on the coding strand, the complement: BRAF is on the minus strand). VCF-style: chr7-140789856-G-A. GRCh37 (hg19) VCF-style: chr7-140489656-G-A.
Other names: c.1141-2272C>T (NM_001378474.1, NM_001378468.1, NM_001354609.2 and 3 more transcripts); c.1039-2272C>T (NM_001378470.1); c.877-2272C>T (NM_001378475.1); c.1140+4452C>T (NM_001378471.1); c.1150-2272C>T (NM_001378467.1); c.985-2272C>T (NM_001378472.1, NM_001378473.1).
Identifiers: ClinVar variation 2658054 (VCV002658054.24), dbSNP rs369259173, ClinGen allele CA168096783.